The following is an entry in ClinVar:

ClinVar aggregate classification (germline): Uncertain significance. Review status: criteria provided, multiple submitters, no conflicts (2 of 4 stars). 2 submissions from 2 submitters: Uncertain significance (2). Last evaluated 2025-08-14.

Allele frequency attached by ClinVar (database versions not stated): gnomAD 0.00002 and 0.00003; gnomAD exomes 0.00003 and 0.00006; TOPMed 0.00003; ExAC 0.00006; 1000 Genomes Project 30x 0.00016; 1000 Genomes Project 0.00020.
gnomAD v4.1: 48 of 1,613,996 alleles (0.003%); highest among the groups gnomAD compares: Middle Eastern, 0.016%; no homozygotes.

Submissions (2):

Ambry Genetics
Classification: Uncertain significance. Last evaluated: 2025-08-14. Review status: criteria provided, single submitter. Criteria: Ambry Variant Classification Scheme 2023. Collection method: clinical testing. Allele origin: germline.

Labcorp Genetics (formerly Invitae), Labcorp
Classification: Uncertain significance. Last evaluated: 2022-09-26. Review status: criteria provided, single submitter. Criteria: Invitae Variant Classification Sherloc (09022015). Collection method: clinical testing. Allele origin: germline.
Comment: This sequence change replaces arginine, which is basic and polar, with histidine, which is basic and polar, at codon 259 of the KIZ protein (p.Arg259His). This variant is present in population databases (rs528764318, gnomAD 0.008%). This variant has not been reported in the literature in individuals affected with KIZ-related conditions. ClinVar contains an entry for this variant (Variation ID: 1005040). In summary, the available evidence is currently insufficient to determine the role of this variant in disease. Therefore, it has been classified as a Variant of Uncertain Significance.

NM_018474.6(KIZ):c.776G>A (p.Arg259His)

Gene: KIZ (kizuna centrosomal protein; plus strand). Cytogenetic location: 20p11.23.
Variant type: single nucleotide variant.
Coding change: c.776G>A on transcript NM_018474.6 (MANE Select); coding-DNA position 776, G replaced by A.
Protein change: p.Arg259His; replaces arginine 259 with histidine.
Molecular consequence: missense variant.
Genome position (GRCh38, 1-based): chr20:21,162,241, G>A. VCF-style: chr20-21162241-G-A. GRCh37 (hg19) VCF-style: chr20-21142882-G-A.
Other names: c.776G>A (NM_018474.4); c.467G>A, p.Arg156His (NM_001163022.3, NM_001352435.2); c.377G>A, p.Arg126His (NM_001163023.3); c.629G>A, p.Arg210His (NM_001276389.2); c.776G>A, p.Arg259His (NM_001352434.2); c.434G>A, p.Arg145His (NM_001352436.2); short protein forms R126H, R145H, R156H, R210H, R259H.
Identifiers: ClinVar variation 1005040 (VCV001005040.7), dbSNP rs528764318, ClinGen allele CA9784706.